The following is an entry in ClinVar:

NM_021815.5(SLC5A7):c.572A>G (p.Gln191Arg)

Gene: SLC5A7 (solute carrier family 5 member 7; plus strand). Cytogenetic location: 2q12.3.
Variant type: single nucleotide variant.
Coding change: c.572A>G on transcript NM_021815.5 (MANE Select); coding-DNA position 572, A replaced by G.
Protein change: p.Gln191Arg; replaces glutamine 191 with arginine.
Molecular consequence: missense variant. On other transcripts: 5 prime UTR variant (1).
Genome position (GRCh38, 1-based): chr2:107,997,961, A>G. VCF-style: chr2-107997961-A-G. GRCh37 (hg19) VCF-style: chr2-108614417-A-G.
Other names: c.572A>G, p.Gln191Arg (NM_001305005.3); c.257A>G, p.Gln86Arg (NM_001305006.3); c.-133A>G (NM_001305007.3); short protein forms Q191R, Q86R.
Identifiers: ClinVar variation 2100906 (VCV002100906.4), dbSNP rs2467083576, ClinGen allele CA348112632.
Genomic context (GRCh38, chr2:107,997,961, plus strand): 5'-TTGCCACTCTGTACACACTGGTGGGAGGGCTCTATTCTGTGGCCTACACTGATGTCGTTC[A>G]GCTCTTTTGCATTTTTGTAGGGCTGGTAAGTGGGAGCACCCAAGATTCTCCTCCTTTTTT-3'
Protein context (NP_068587.1, residues 181-201): LYSVAYTDVV[Gln191Arg]LFCIFVGLWI

ClinVar aggregate classification (germline): Uncertain significance (1 of 4 stars; one submission).

Conditions:
Congenital myasthenic syndrome 20. Also called: Myasthenic syndrome, congenital, 20, presynaptic. Identifiers: MedGen C4310694, MONDO:0014939, OMIM 617143.
Neuronopathy, distal hereditary motor, type 7A. Also called: SPINAL MUSCULAR ATROPHY, DISTAL, WITH VOCAL CORD PARALYSIS; Neuronopathy, distal hereditary motor, type viia; Neuronopathy, distal hereditary motor, autosomal dominant 7; HARPER-YOUNG MYOPATHY; HMN VIIA; NEURONOPATHY, DISTAL HEREDITARY MOTOR, HARDING TYPE VIIA. Identifiers: Orphanet 139589, MedGen C1834703, MONDO:0008024, OMIM 158580.

Submission:

Labcorp Genetics (formerly Invitae), Labcorp
Classification: Uncertain significance for Neuronopathy, distal hereditary motor, type 7A; Congenital myasthenic syndrome 20. Last evaluated: 2022-02-21. Review status: criteria provided, single submitter. Criteria: Invitae Variant Classification Sherloc (09022015). Collection method: clinical testing. Allele origin: germline.
Comment: In summary, the available evidence is currently insufficient to determine the role of this variant in disease. Therefore, it has been classified as a Variant of Uncertain Significance. Algorithms developed to predict the effect of missense changes on protein structure and function (SIFT, PolyPhen-2, Align-GVGD) all suggest that this variant is likely to be disruptive. This variant has not been reported in the literature in individuals affected with SLC5A7-related conditions. This variant is not present in population databases (gnomAD no frequency). This sequence change replaces glutamine, which is neutral and polar, with arginine, which is basic and polar, at codon 191 of the SLC5A7 protein (p.Gln191Arg).